The following is an entry in ClinVar:

ClinVar aggregate classification (germline): Uncertain significance (1 of 4 stars; one submission).

Allele frequency attached by ClinVar (database versions not stated): gnomAD exomes 0.00001; ExAC 0.00007; gnomAD 0.00021; TOPMed 0.00030; ESP Exome Variant Server 0.00035.
gnomAD v4.1: 51 of 1,612,842 alleles (0.0032%); highest among the groups gnomAD compares: African/African-American, 0.061%; no homozygotes.

Submission:

GeneDx
Classification: Uncertain significance. Last evaluated: 2026-03-25. Review status: criteria provided, single submitter. Criteria: GeneDx Variant Classification Process June 2021. Collection method: clinical testing. Allele origin: germline. Affected: yes.
Comment: In silico analysis suggests that this missense variant does not alter protein structure/function; Has not been previously published as pathogenic or benign to our knowledge; Reported using an alternate transcript of the gene

NM_017739.4(POMGNT1):c.*502C>T

Genes: POMGNT1 (protein O-linked mannose N-acetylglucosaminyltransferase 1 (beta 1,2-); minus strand), TSPAN1 (tetraspanin 1; plus strand). Cytogenetic location: 1p34.1.
Variant type: single nucleotide variant.
Coding change: c.*502C>T on transcript NM_017739.4 (MANE Select); 502 bases downstream of the stop codon, C replaced by T.
Molecular consequence: 3 prime UTR variant. On other transcripts: missense variant (2).
Genome position (GRCh38, 1-based): chr1:46,188,768, G>A on the plus strand (C>T on the coding strand, the complement: POMGNT1 is on the minus strand). VCF-style: chr1-46188768-G-A. GRCh37 (hg19) VCF-style: chr1-46654440-G-A.
Other names: c.2198C>T, p.Thr733Ile (NM_001243766.2); c.*241C>T (NM_001290129.3, NM_001290130.2); c.2108C>T, p.Thr703Ile (NM_001410783.1); short protein forms T703I, T733I.
Identifiers: ClinVar variation 1704770 (VCV001704770.3), dbSNP rs377163612, ClinGen allele CA833133.